The following is an entry in ClinVar:

NM_177438.3(DICER1):c.3270-6_4051-1280delinsG

Gene: DICER1 (dicer 1, ribonuclease III; minus strand). Cytogenetic location: 14q32.13.
Variant type: Indel.
Coding change: c.3270-6_4051-1280delinsG on transcript NM_177438.3 (MANE Select); 6 bases into the intron before coding-DNA position 3270 through 1280 bases into the intron before coding-DNA position 4051, the reference bases replaced by G.
Molecular consequence: splice acceptor variant, splice donor variant.
Genome position (GRCh38, 1-based): chr14:95,101,215-95,104,132, 2,918 bases replaced. GRCh37 (hg19): chr14:95,567,552-95,570,469.
Other names: c.3270-6_4051-1280delinsG (NM_001291628.2, NM_030621.4, NM_001271282.3 and 1 more transcripts).
Identifiers: ClinVar variation 933114 (VCV000933114.3), ClinGen allele CA1139663707.

ClinVar aggregate classification (germline): Pathogenic (1 of 4 stars; one submission).

Conditions:
DICER1-related tumor predisposition. Also called: DICER1-related pleuropulmonary blastoma cancer predisposition syndrome; DICER1 syndrome. Identifiers: Orphanet 284343, MedGen C3839822, MONDO:0100216.

Submission:

Foulkes Cancer Genetics LDI, Lady Davis Institute for Medical Research
Classification: Pathogenic for Pleuropulmonary blastoma. Last evaluated: 2019-07-01. Review status: criteria provided, single submitter. Criteria: ACMG Guidelines, 2015. Collection method: curation. Allele origin: germline. Affected: yes. Observed: 3 variant alleles.
Comment: ACMG criteria met: PVS1, PP1, PP4

Literature cited by the submitters: PubMed 24065110.